The following is an entry in ClinVar:

ClinVar aggregate classification (germline): Uncertain significance. Review status: criteria provided, single submitter (1 of 4 stars). 2 submissions from 2 submitters: Uncertain significance (1). 1 of the submissions does not count toward it. Last evaluated 2022-08-16.

Conditions:
ADAMTSL4-related disorder. Also called: ADAMTSL4-related condition; ADAMTSL4-Related Disorders.

Allele frequency attached by ClinVar (database versions not stated): TOPMed 0.00053; ESP Exome Variant Server 0.00062; 1000 Genomes Project 30x 0.00109; 1000 Genomes Project 0.00120.
gnomAD v4.1: 133 of 1,614,148 alleles (0.0082%); highest among the groups gnomAD compares: African/African-American, 0.12%; 1 homozygote.

Submissions (2):

Labcorp Genetics (formerly Invitae), Labcorp
Classification: Uncertain significance. Last evaluated: 2022-08-16. Review status: criteria provided, single submitter. Criteria: Invitae Variant Classification Sherloc (09022015). Collection method: clinical testing. Allele origin: germline.
Comment: This sequence change replaces arginine, which is basic and polar, with histidine, which is basic and polar, at codon 428 of the ADAMTSL4 protein (p.Arg428His). This variant is present in population databases (rs201877614, gnomAD 0.2%), including at least one homozygous and/or hemizygous individual. This variant has not been reported in the literature in individuals affected with ADAMTSL4-related conditions. ClinVar contains an entry for this variant (Variation ID: 1415083). Algorithms developed to predict the effect of missense changes on protein structure and function (SIFT, PolyPhen-2, Align-GVGD) all suggest that this variant is likely to be disruptive. In summary, the available evidence is currently insufficient to determine the role of this variant in disease. Therefore, it has been classified as a Variant of Uncertain Significance.

PreventionGenetics, part of Exact Sciences
Classification: Likely benign for ADAMTSL4-related condition. Last evaluated: 2022-02-03. Review status: no assertion criteria provided. Collection method: clinical testing. Allele origin: germline. Not counted in ClinVar's aggregate classification.
Comment: This variant is classified as likely benign based on ACMG/AMP sequence variant interpretation guidelines (Richards et al. 2015 PMID: 25741868, with internal and published modifications).

NM_019032.6(ADAMTSL4):c.1283G>A (p.Arg428His)

Genes: ADAMTSL4 (ADAMTS like 4; plus strand), ADAMTSL4-AS2 (ADAMTSL4 antisense RNA 2; minus strand). Cytogenetic location: 1q21.2.
Variant type: single nucleotide variant.
Coding change: c.1283G>A on transcript NM_019032.6 (MANE Select); coding-DNA position 1283, G replaced by A.
Protein change: p.Arg428His; replaces arginine 428 with histidine.
Molecular consequence: missense variant.
Genome position (GRCh38, 1-based): chr1:150,555,477, G>A. VCF-style: chr1-150555477-G-A. GRCh37 (hg19) VCF-style: chr1-150527953-G-A.
Other names: c.1352G>A, p.Arg451His (NM_001288607.2, NM_001288608.2); c.1283G>A, p.Arg428His (NM_001378596.1, NM_025008.5); c.1283G>A (NM_019032.5); short protein forms R428H, R451H.
Identifiers: ClinVar variation 1415083 (VCV001415083.5), dbSNP rs201877614, ClinGen allele CA1078216.